The following is an entry in ClinVar:

ClinVar aggregate classification (germline): Uncertain significance (1 of 4 stars; one submission).

Conditions:
ARHGAP6-related disorder. Also called: ARHGAP6-related condition.

Submission:

PreventionGenetics, part of Exact Sciences
Classification: Uncertain significance for ARHGAP6-related condition. Last evaluated: 2024-11-26. Review status: criteria provided, single submitter. Criteria: ACMG Guidelines, 2015. Collection method: clinical testing. Allele origin: germline.
Comment: The ARHGAP6 c.1629+1G>A variant is predicted to disrupt the GT donor site and interfere with normal splicing. To our knowledge, this variant has not been reported in the literature or in a large population database (gnomAD), indicating this variant is rare. Although loss-of-function variation in this gene has not been conclusively established as a mechanism of disease, ARHGAP6 is constrained against variants of this type in the general population (gnomAD, pLI=1). At this time, the clinical significance of this variant is uncertain due to the absence of conclusive functional and genetic evidence.

NM_013427.3(ARHGAP6):c.1629+1G>A

Gene: ARHGAP6 (Rho GTPase activating protein 6; minus strand). Cytogenetic location: Xp22.2.
Variant type: single nucleotide variant.
Coding change: c.1629+1G>A on transcript NM_013427.3 (MANE Select); the canonical splice donor site of the intron after coding-DNA position 1629, G replaced by A.
Molecular consequence: splice donor variant.
Genome position (GRCh38, 1-based): chrX:11,178,099, C>T on the plus strand (G>A on the coding strand, the complement: ARHGAP6 is on the minus strand). VCF-style: chrX-11178099-C-T. GRCh37 (hg19) VCF-style: chrX-11196219-C-T.
Other names: c.1089+1G>A (NM_001287242.2); c.1020+1G>A (NM_013423.3); c.1629+1G>A (NM_006125.3).
Identifiers: ClinVar variation 5001780 (VCV005001780.1).